The following is an entry in ClinVar:

NM_012418.4(FSCN2):c.1277G>A (p.Arg426His)

Gene: FSCN2 (fascin actin-bundling protein 2, retinal; plus strand). Cytogenetic location: 17q25.3.
Variant type: single nucleotide variant.
Coding change: c.1277G>A on transcript NM_012418.4 (MANE Select); coding-DNA position 1277, G replaced by A.
Protein change: p.Arg426His; replaces arginine 426 with histidine.
Molecular consequence: missense variant.
Genome position (GRCh38, 1-based): chr17:81,536,878, G>A. VCF-style: chr17-81536878-G-A. GRCh37 (hg19) VCF-style: chr17-79503904-G-A.
Other names: c.1349G>A, p.Arg450His (NM_001077182.3); short protein forms R450H, R426H.
Identifiers: ClinVar variation 289613 (VCV000289613.17), dbSNP rs769242340, ClinGen allele CA8837093.
Genomic context (GRCh38, chr17:81,536,878, plus strand): 5'-GAGCGGGGGTGGCAGCGGGCAGGTGGGCACCCCCGCCGACGCCGTCCCGTCCCCCAGGCC[G>A]CGACGGAGGGTTCTGGTACACGGGCAGCCACGGCAGCGTGTGCAGCGACGGCGAACGCGC-3'
Protein context (NP_036550.1, residues 416-436): FSDGAYRIRG[Arg426His]DGGFWYTGSH

ClinVar aggregate classification (germline): Conflicting classifications of pathogenicity. Review status: criteria provided, conflicting classifications (1 of 4 stars). 4 submissions from 4 submitters: Uncertain significance (3); Benign (1). Last evaluated 2023-10-01.

Conditions:
Retinal dystrophy. Also called: Inherited retinal dystrophy. Identifiers: Orphanet 71862, MedGen C0854723, MeSH D058499, MONDO:0019118, HP:0000556.

Allele frequency attached by ClinVar (database versions not stated): gnomAD exomes 0.00005; ExAC 0.00011; gnomAD 0.00001; TOPMed 0.00001.
gnomAD v4.1: 94 of 1,569,510 alleles (0.006%); highest among the groups gnomAD compares: East Asian, 0.21%; no homozygotes.

Submissions (4):

Dept Of Ophthalmology, Nagoya University
Classification: Benign for Retinal dystrophy. Last evaluated: 2023-10-01. Review status: criteria provided, single submitter. Criteria: Submitter's publication. Collection method: research. Allele origin: germline. Affected: yes.

Ambry Genetics
Classification: Uncertain significance. Last evaluated: 2023-05-03. Review status: criteria provided, single submitter. Criteria: Ambry Variant Classification Scheme 2023. Collection method: clinical testing. Allele origin: germline.

Labcorp Genetics (formerly Invitae), Labcorp
Classification: Uncertain significance. Last evaluated: 2022-11-01. Review status: criteria provided, single submitter. Criteria: Invitae Variant Classification Sherloc (09022015). Collection method: clinical testing. Allele origin: germline.
Comment: This sequence change replaces arginine, which is basic and polar, with histidine, which is basic and polar, at codon 450 of the FSCN2 protein (p.Arg450His). The frequency data for this variant in the population databases is considered unreliable, as metrics indicate poor data quality at this position in the gnomAD database. This variant has not been reported in the literature in individuals affected with FSCN2-related conditions. ClinVar contains an entry for this variant (Variation ID: 289613). Algorithms developed to predict the effect of missense changes on protein structure and function are either unavailable or do not agree on the potential impact of this missense change (SIFT: "Tolerated"; PolyPhen-2: "Possibly Damaging"; Align-GVGD: "Class C0"). In summary, the available evidence is currently insufficient to determine the role of this variant in disease. Therefore, it has been classified as a Variant of Uncertain Significance.

Eurofins Ntd Llc (ga)
Classification: Uncertain significance. Last evaluated: 2016-08-16. Review status: criteria provided, single submitter. Criteria: EGL Classification Definitions 2015. Collection method: clinical testing. Allele origin: germline. Observed: 1 variant allele, 1 heterozygote.